The following is an entry in ClinVar:

ClinVar aggregate classification (germline): Likely benign. Review status: criteria provided, multiple submitters, no conflicts (2 of 4 stars). 2 submissions from 2 submitters: Likely benign (2). Last evaluated 2025-06-24.

Conditions:
Early-infantile DEE. Also called: Ohtahara syndrome; Early infantile epileptic encephalopathy with suppression bursts; Early infantile epileptic encephalopathy. Identifiers: Orphanet 1934, MedGen C0393706, MONDO:0800491.

Allele frequency attached by ClinVar (database versions not stated): gnomAD 0.00001; gnomAD exomes 0.00001 and 0.00002; TOPMed 0.00002.
gnomAD v4.1: 31 of 1,548,378 alleles (0.002%); highest among the groups gnomAD compares: Non-Finnish European, 0.0024%; no homozygotes.

Submissions (2):

Mayo Clinic Laboratories, Mayo Clinic
Classification: Likely benign. Last evaluated: 2025-06-24. Review status: criteria provided, single submitter. Criteria: ACMG Guidelines, 2015. Collection method: clinical testing. Allele origin: germline. Observed: 1 variant allele.
Comment: BP4, BP7

Labcorp Genetics (formerly Invitae), Labcorp
Classification: Likely benign for Early-infantile DEE. Last evaluated: 2025-01-20. Review status: criteria provided, single submitter. Criteria: Invitae Variant Classification Sherloc (09022015). Collection method: clinical testing. Allele origin: germline.

NM_172107.4(KCNQ2):c.240C>T (p.Phe80=)

Gene: KCNQ2 (potassium voltage-gated channel subfamily Q member 2; minus strand). Cytogenetic location: 20q13.33.
Variant type: single nucleotide variant.
Coding change: c.240C>T on transcript NM_172107.4 (MANE Select); coding-DNA position 240, C replaced by T.
Protein change: p.Phe80=; no amino-acid change (phenylalanine 80 retained).
Molecular consequence: synonymous variant.
Genome position (GRCh38, 1-based): chr20:63,472,224, G>A on the plus strand (C>T on the coding strand, the complement: KCNQ2 is on the minus strand). VCF-style: chr20-63472224-G-A. GRCh37 (hg19) VCF-style: chr20-62103577-G-A.
Other names: p.Phe80=; c.240C>T, p.Phe80= (NM_004518.6, NM_172106.3, NM_172108.5 and 1 more transcripts).
Identifiers: ClinVar variation 530624 (VCV000530624.10), dbSNP rs961712229, ClinGen allele CA317423750.